The following is an entry in ClinVar:

ClinVar aggregate classification (germline): Conflicting classifications of pathogenicity. Review status: criteria provided, conflicting classifications (1 of 4 stars). 5 submissions from 5 submitters: Uncertain significance (1); Benign (1); Likely benign (3). Last evaluated 2026-01-12.

Conditions:
Megaloblastic anemia, thiamine-responsive, with diabetes mellitus and sensorineural deafness (TRMA). Also called: THIAMINE METABOLISM DYSFUNCTION SYNDROME 1 (MEGALOBLASTIC ANEMIA, DIABETES MELLITUS, AND DEAFNESS TYPE); Thiamine-Responsive Megaloblastic Anemia Syndrome; ROGERS SYNDROME; THIAMINE-RESPONSIVE ANEMIA SYNDROME; THIAMINE-RESPONSIVE MYELODYSPLASIA. Identifiers: Orphanet 49827, MedGen C0342287, MONDO:0009575, OMIM 249270.

Allele frequency attached by ClinVar (database versions not stated): gnomAD 0.00006 and 0.00007; gnomAD exomes 0.00007 and 0.00030; TOPMed 0.00016; 1000 Genomes Project 0.00020; ExAC 0.00027; 1000 Genomes Project 30x 0.00031.
gnomAD v4.1: 117 of 1,613,568 alleles (0.0073%); highest among the groups gnomAD compares: Admixed American, 0.15%; no homozygotes.

Submissions (5):

Labcorp Genetics (formerly Invitae), Labcorp
Classification: Benign. Last evaluated: 2026-01-12. Review status: criteria provided, single submitter. Criteria: Invitae Variant Classification Sherloc (09022015). Collection method: clinical testing. Allele origin: germline.

ARUP Laboratories, Molecular Genetics and Genomics, ARUP Laboratories
Classification: Likely benign for Megaloblastic anemia, thiamine-responsive, with diabetes mellitus and sensorineural deafness. Last evaluated: 2024-07-22. Review status: criteria provided, single submitter. Criteria: ARUP Molecular Germline Variant Investigation Process 2024. Collection method: clinical testing. Allele origin: germline.

Blueprint Genetics
Classification: Likely benign. Last evaluated: 2022-06-13. Review status: criteria provided, single submitter. Criteria: ACMG Guidelines, 2015. Collection method: clinical testing. Allele origin: germline.

Illumina Laboratory Services, Illumina
Classification: Uncertain significance for Megaloblastic anemia, thiamine-responsive, with diabetes mellitus and sensorineural deafness. Last evaluated: 2018-01-12. Review status: criteria provided, single submitter. Criteria: ICSL Variant Classification Criteria 13 December 2019. Collection method: clinical testing. Allele origin: germline.

GeneDx
Classification: Likely benign. Last evaluated: 2016-02-17. Review status: criteria provided, single submitter. Criteria: GeneDx Variant Classification (06012015). Collection method: clinical testing. Allele origin: germline. Affected: yes.
Comment: This variant is considered likely benign or benign based on one or more of the following criteria: it is a conservative change, it occurs at a poorly conserved position in the protein, it is predicted to be benign by multiple in silico algorithms, and/or has population frequency not consistent with disease.

NM_006996.3(SLC19A2):c.795C>T (p.Pro265=)

Gene: SLC19A2 (solute carrier family 19 member 2; minus strand). Cytogenetic location: 1q24.2.
Variant type: single nucleotide variant.
Coding change: c.795C>T on transcript NM_006996.3 (MANE Select); coding-DNA position 795, C replaced by T.
Protein change: p.Pro265=; no amino-acid change (proline 265 retained).
Molecular consequence: synonymous variant. On other transcripts: intron variant (1).
Genome position (GRCh38, 1-based): chr1:169,477,167, G>A on the plus strand (C>T on the coding strand, the complement: SLC19A2 is on the minus strand). VCF-style: chr1-169477167-G-A. GRCh37 (hg19) VCF-style: chr1-169446405-G-A.
Other names: c.205-6981C>T (NM_001319667.1).
Identifiers: ClinVar variation 293526 (VCV000293526.15), dbSNP rs201489069, ClinGen allele CA1233008.